The following is an entry in ClinVar:

ClinVar aggregate classification (germline): Uncertain significance. Review status: criteria provided, multiple submitters, no conflicts (2 of 4 stars). 3 submissions from 3 submitters: Uncertain significance (3). Last evaluated 2024-04-25.

Conditions:
Primary dilated cardiomyopathy (DCM). Also called: Dilated Cardiomyopathy. Identifiers: Orphanet 217604, MedGen C0007193, MeSH D002311, MONDO:0005021, HP:0001644. Inheritance: Various modes of inheritance.
Charcot-Marie-Tooth disease type 2. Also called: Charcot-Marie-Tooth type 2. Identifiers: Orphanet 64746, MedGen C0270914, MONDO:0018993.
Cardiomyopathy (CMYO). Also called: Cardiomyopathies. Identifiers: Orphanet 167848, MedGen C0878544, MONDO:0004994, HP:0001638. Inheritance: Various modes of inheritance.

Submissions (3):

All of Us Research Program, National Institutes of Health
Classification: Uncertain significance for Primary dilated cardiomyopathy. Last evaluated: 2024-04-25. Review status: criteria provided, single submitter. Criteria: ACMG Guidelines, 2015. Collection method: clinical testing. Allele origin: germline. Inheritance: Autosomal dominant inheritance. Observed: 1 variant allele, 1 heterozygote.
Comment: This missense variant replaces alanine with threonine at codon 516 of the lamin A/C proteins. Computational prediction suggests that this variant may not impact protein structure and function (internally defined REVEL score threshold <= 0.5, PMID: 27666373). Splice site prediction tools suggest that this variant may not impact RNA splicing. To our knowledge, functional studies have not been performed for this variant. This variant has not been reported in individuals affected with cardiovascular disorders in the literature. This variant has not been identified in the general population by the Genome Aggregation Database (gnomAD). The available evidence is insufficient to determine the role of this variant in disease conclusively. Therefore, this variant is classified as a Variant of Uncertain Significance.

This study involves interpretation of variants in research participants for the purpose of population health screening. Participant phenotype was not available at the time of variant classification. Additional details can be found in publication PMID: 35346344, PMCID: PMC8962531

Color Diagnostics, LLC DBA Color Health
Classification: Uncertain significance for Cardiomyopathy. Last evaluated: 2024-03-06. Review status: criteria provided, single submitter. Criteria: ACMG Guidelines, 2015. Collection method: clinical testing. Allele origin: germline.
Comment: This missense variant replaces alanine with threonine at codon 516 of the LMNA protein. Computational prediction suggests that this variant may not impact protein structure and function (internally defined REVEL score threshold <= 0.5, PMID: 27666373). To our knowledge, functional studies have not been reported for this variant. This variant has not been reported in individuals affected with LMNA-related disorders in the literature. This variant has not been identified in the general population by the Genome Aggregation Database (gnomAD). The available evidence is insufficient to determine the role of this variant in disease conclusively. Therefore, this variant is classified as a Variant of Uncertain Significance.

Labcorp Genetics (formerly Invitae), Labcorp
Classification: Uncertain significance for Charcot-Marie-Tooth disease type 2. Last evaluated: 2022-10-25. Review status: criteria provided, single submitter. Criteria: Invitae Variant Classification Sherloc (09022015). Collection method: clinical testing. Allele origin: germline.
Comment: This sequence change replaces alanine, which is neutral and non-polar, with threonine, which is neutral and polar, at codon 516 of the LMNA protein (p.Ala516Thr). This variant is not present in population databases (gnomAD no frequency). This variant has not been reported in the literature in individuals affected with LMNA-related conditions. ClinVar contains an entry for this variant (Variation ID: 920901). Advanced modeling of protein sequence and biophysical properties (such as structural, functional, and spatial information, amino acid conservation, physicochemical variation, residue mobility, and thermodynamic stability) performed at Invitae indicates that this missense variant is expected to disrupt LMNA protein function. In summary, the available evidence is currently insufficient to determine the role of this variant in disease. Therefore, it has been classified as a Variant of Uncertain Significance.

NM_170707.4(LMNA):c.1546G>A (p.Ala516Thr)

Gene: LMNA (lamin A/C; plus strand). Cytogenetic location: 1q22.
Variant type: single nucleotide variant.
Coding change: c.1546G>A on transcript NM_170707.4 (MANE Select); coding-DNA position 1546, G replaced by A.
Protein change: p.Ala516Thr; replaces alanine 516 with threonine.
Molecular consequence: missense variant.
Genome position (GRCh38, 1-based): chr1:156,137,170, G>A. VCF-style: chr1-156137170-G-A. GRCh37 (hg19) VCF-style: chr1-156106961-G-A.
Other names: c.1210G>A, p.Ala404Thr (NM_001257374.3); c.1303G>A, p.Ala435Thr (NM_001282624.2); c.1546G>A, p.Ala516Thr (NM_001282625.2, NM_001282626.2, NM_005572.4 and 1 more transcripts); short protein forms A404T, A435T, A516T.
Identifiers: ClinVar variation 920901 (VCV000920901.7), dbSNP rs1383314305, ClinGen allele CA342823281.